The following is an entry in ClinVar:

ClinVar aggregate classification (germline): Uncertain significance (1 of 4 stars; one submission).

Submission:

Labcorp Genetics (formerly Invitae), Labcorp
Classification: Uncertain significance. Last evaluated: 2021-10-10. Review status: criteria provided, single submitter. Criteria: Invitae Variant Classification Sherloc (09022015). Collection method: clinical testing. Allele origin: germline.
Comment: In summary, the available evidence is currently insufficient to determine the role of this variant in disease. Therefore, it has been classified as a Variant of Uncertain Significance. Algorithms developed to predict the effect of missense changes on protein structure and function are either unavailable or do not agree on the potential impact of this missense change (SIFT: "Deleterious"; PolyPhen-2: "Probably Damaging"; Align-GVGD: "Class C0"). This variant has not been reported in the literature in individuals affected with HMCN1-related conditions. This variant is not present in population databases (ExAC no frequency). This sequence change replaces glutamine with proline at codon 1376 of the HMCN1 protein (p.Gln1376Pro). The glutamine residue is highly conserved and there is a moderate physicochemical difference between glutamine and proline.

NM_031935.3(HMCN1):c.4127A>C (p.Gln1376Pro)

Gene: HMCN1 (hemicentin 1; plus strand). Cytogenetic location: 1q31.1.
Variant type: single nucleotide variant.
Coding change: c.4127A>C on transcript NM_031935.3 (MANE Select); coding-DNA position 4127, A replaced by C.
Protein change: p.Gln1376Pro; replaces glutamine 1376 with proline.
Molecular consequence: missense variant.
Genome position (GRCh38, 1-based): chr1:186,001,355, A>C. VCF-style: chr1-186001355-A-C. GRCh37 (hg19) VCF-style: chr1-185970487-A-C.
Other names: short protein forms Q1376P.
Identifiers: ClinVar variation 1372336 (VCV001372336.6), dbSNP rs2102067408, ClinGen allele CA343876233.